The following is an entry in ClinVar:

NM_213649.2(SFXN4):c.818+2T>A

Gene: SFXN4 (sideroflexin 4; minus strand). Cytogenetic location: 10q26.11.
Variant type: single nucleotide variant.
Coding change: c.818+2T>A on transcript NM_213649.2 (MANE Select); the canonical splice donor site of the intron after coding-DNA position 818, T replaced by A.
Molecular consequence: splice donor variant.
Genome position (GRCh38, 1-based): chr10:119,147,773, A>T on the plus strand (T>A on the coding strand, the complement: SFXN4 is on the minus strand). VCF-style: chr10-119147773-A-T. GRCh37 (hg19) VCF-style: chr10-120907285-A-T.
Identifiers: ClinVar variation 2182106 (VCV002182106.4), dbSNP rs762968127, ClinGen allele CA5714387.

ClinVar aggregate classification (germline): Likely pathogenic (1 of 4 stars; one submission).

Allele frequency attached by ClinVar (database versions not stated): ExAC 0.00001; gnomAD exomes 0.00001; TOPMed 0.00002.
gnomAD v4.1: 9 of 1,613,070 alleles (0.00056%); highest among the groups gnomAD compares: Admixed American, 0.0017%; no homozygotes.

Submission:

Labcorp Genetics (formerly Invitae), Labcorp
Classification: Likely pathogenic. Last evaluated: 2023-03-23. Review status: criteria provided, single submitter. Criteria: Invitae Variant Classification Sherloc (09022015). Collection method: clinical testing. Allele origin: germline.
Comment: This sequence change affects a donor splice site in intron 12 of the SFXN4 gene. It is expected to disrupt RNA splicing. Variants that disrupt the donor or acceptor splice site typically lead to a loss of protein function (PMID: 16199547), and loss-of-function variants in SFXN4 are known to be pathogenic (PMID: 24119684). This variant is present in population databases (rs762968127, gnomAD 0.01%). This variant has not been reported in the literature in individuals affected with SFXN4-related conditions. ClinVar contains an entry for this variant (Variation ID: 2182106). Algorithms developed to predict the effect of sequence changes on RNA splicing suggest that this variant may disrupt the consensus splice site. In summary, the currently available evidence indicates that the variant is pathogenic, but additional data are needed to prove that conclusively. Therefore, this variant has been classified as Likely Pathogenic.

Literature cited by the submitters: PubMed 16199547; PubMed 24119684.